The following is an entry in ClinVar:

ClinVar aggregate classification (germline): Uncertain significance (1 of 4 stars; one submission).

Submission:

Ambry Genetics
Classification: Uncertain significance. Last evaluated: 2026-02-17. Review status: criteria provided, single submitter. Criteria: Ambry Variant Classification Scheme 2023. Collection method: clinical testing. Allele origin: germline.
Comment: The c.347T>C (p.V116A) alteration is located in exon 5 (coding exon 5) of the APOO gene. This alteration results from a T to C substitution at nucleotide position 347, causing the valine (V) at amino acid position 116 to be replaced by an alanine (A). Based on data from gnomAD, the C allele has an overall frequency of 0.001% (2/182940) total alleles studied. The highest observed frequency was 0.007% (2/27342) of Latino alleles. Based on insufficient or conflicting evidence, the clinical significance of this alteration remains unclear.

NM_024122.5(APOO):c.347T>C (p.Val116Ala)

Gene: APOO (apolipoprotein O; minus strand). Cytogenetic location: Xp22.11.
Variant type: single nucleotide variant.
Coding change: c.347T>C on transcript NM_024122.5 (MANE Select); coding-DNA position 347, T replaced by C.
Protein change: p.Val116Ala; replaces valine 116 with alanine.
Molecular consequence: missense variant. On other transcripts: non-coding transcript variant (1).
Genome position (GRCh38, 1-based): chrX:23,868,634, A>G on the plus strand (T>C on the coding strand, the complement: APOO is on the minus strand). VCF-style: chrX-23868634-A-G. GRCh37 (hg19) VCF-style: chrX-23886751-A-G.
Other names: short protein forms V116A.
Identifiers: ClinVar variation 4839963 (VCV004839963.1).
Genomic context (GRCh38, chrX:23,868,634, plus strand): 5'-GCCATAAAATTGCACCTACCTCTAGCCAAAAGGAGTCCAATAAGGCCAGCAAAACCAATA[A>G]CACCAAGTCTCGGAAAAAATCCAGGAGGTGCATTTTGGAGATAGTCATAGCTGTCTACAA-3'
Protein context (NP_077027.1, residues 106-126): APPGFFPRLG[Val116Ala]IGFAGLIGLL